The following is an entry in ClinVar:

NM_012144.4(DNAI1):c.67G>T (p.Gly23Ter)

Gene: DNAI1 (dynein axonemal intermediate chain 1; plus strand). Cytogenetic location: 9p13.3.
Variant type: single nucleotide variant.
Coding change: c.67G>T on transcript NM_012144.4 (MANE Select); coding-DNA position 67, G replaced by T.
Protein change: p.Gly23Ter; replaces glycine 23 with a stop codon.
Molecular consequence: nonsense.
Genome position (GRCh38, 1-based): chr9:34,483,466, G>T. VCF-style: chr9-34483466-G-T. GRCh37 (hg19) VCF-style: chr9-34483464-G-T.
Other names: c.67G>T, p.Gly23Ter (NM_001281428.2); short protein forms G23*.
Identifiers: ClinVar variation 5011250 (VCV005011250.1).
Genomic context (GRCh38, chr9:34,483,466, plus strand): 5'-ATTTGCTTATGACTTACCTTCTGTTTTCTGTTCTTCATTTAGAGCATCAGCATAGGCAGA[G>T]GAACCAGGAAGAGAGTAAGTGCTGAGACTACCATGGTCTCTCAGCAAGATGCTAATAGTG-3'

ClinVar aggregate classification (germline): Pathogenic (1 of 4 stars; one submission).

Conditions:
Kartagener syndrome (CILD1). Also called: CILIARY DYSKINESIA, PRIMARY, 1; CILIARY DYSKINESIA, PRIMARY, 1, WITH OR WITHOUT SITUS INVERSUS; IMMOTILE CILIA SYNDROME; POLYNESIAN BRONCHIECTASIS; Dextrocardia bronchiectasis and sinusitis; SIEWERT SYNDROME. Identifiers: Orphanet 244, MedGen C4551906, MONDO:0009484, OMIM 244400.

Submission:

Myriad Genetics, Inc.
Classification: Pathogenic for Kartagener syndrome. Last evaluated: 2023-08-06. Review status: criteria provided, single submitter. Criteria: Myriad Autosomal Dominant, Autosomal Recessive and X-Linked Classification Criteria (2023). Collection method: clinical testing. Allele origin: unknown.
Comment: NM_012144.2(DNAI1):c.67G>T(G23*) is expected to be pathogenic in the context of primary ciliary dyskinesia, DNAI1-related. This variant is predicted to lead to an abnormal or absent protein product due to the creation of a premature termination codon in DNAI1, a gene where loss-of-function variants are known to be pathogenic. Please note: this variant was assessed in the context of healthy population screening.